The following is an entry in ClinVar:

ClinVar aggregate classification (germline): Likely benign. Review status: criteria provided, multiple submitters, no conflicts (2 of 4 stars). 3 submissions from 3 submitters: Likely benign (3). Last evaluated 2024-05-01.

Conditions:
RYR1-related disorder. Also called: RYR1-related condition; RYR1-related disorders. Identifiers: MedGen CN239331.
Malignant hyperthermia, susceptibility to, 1 (MHS1). Also called: RYR1-Related Malignant Hyperthermia Susceptibility; Anesthesia related hyperthermia; Malignant hyperpyrexia; Fulminating hyperpyrexia; Pharmacogenic myopathy; Malignant hyperthermia suceptibility 1. Identifiers: Orphanet 423, MedGen C2930980, MONDO:0007783, OMIM 145600.

Allele frequency attached by ClinVar (database versions not stated): gnomAD exomes below 0.00001 and 0.00001.
gnomAD v4.1: 3 of 1,614,178 alleles (0.00019%); no homozygotes.

Submissions (3):

CeGaT Center for Human Genetics Tuebingen
Classification: Likely benign. Last evaluated: 2024-05-01. Review status: criteria provided, single submitter. Criteria: CeGaT Center For Human Genetics Tuebingen Variant Classification Criteria Version 2. Collection method: clinical testing. Allele origin: germline. Affected: yes. Observed: 2 variant alleles.
Comment: RYR1: BP4, BP7

All of Us Research Program, National Institutes of Health
Classification: Likely benign for Malignant hyperthermia, susceptibility to, 1. Last evaluated: 2024-03-24. Review status: criteria provided, single submitter. Criteria: ACMG Guidelines, 2015. Collection method: clinical testing. Allele origin: germline. Inheritance: Autosomal dominant inheritance. Observed: 3 variant alleles, 3 heterozygotes.
Comment: This study involves interpretation of variants in research participants for the purpose of population health screening. Participant phenotype was not available at the time of variant classification. Additional details can be found in publication PMID: 35346344, PMCID: PMC8962531

Labcorp Genetics (formerly Invitae), Labcorp
Classification: Likely benign for RYR1-related disorder. Last evaluated: 2023-05-22. Review status: criteria provided, single submitter. Criteria: Invitae Variant Classification Sherloc (09022015). Collection method: clinical testing. Allele origin: germline.

NM_000540.3(RYR1):c.9216C>A (p.Ala3072=)

Gene: RYR1 (ryanodine receptor 1; plus strand). Cytogenetic location: 19q13.2.
Variant type: single nucleotide variant.
Coding change: c.9216C>A on transcript NM_000540.3 (MANE Select); coding-DNA position 9216, C replaced by A.
Protein change: p.Ala3072=; no amino-acid change (alanine 3072 retained).
Molecular consequence: synonymous variant.
Genome position (GRCh38, 1-based): chr19:38,512,115, C>A. VCF-style: chr19-38512115-C-A. GRCh37 (hg19) VCF-style: chr19-39002755-C-A.
Other names: c.9216C>A, p.Ala3072= (NM_001042723.2).
Identifiers: ClinVar variation 1352195 (VCV001352195.30), dbSNP rs1361441570, ClinGen allele CA507354220.